The following is an entry in ClinVar:

ClinVar aggregate classification (germline): Uncertain significance (1 of 4 stars; one submission).

Allele frequency attached by ClinVar (database versions not stated): gnomAD exomes 0.00001; gnomAD 0.00003; ExAC 0.00007.
gnomAD v4.1: 21 of 1,550,400 alleles (0.0014%); highest among the groups gnomAD compares: African/African-American, 0.0082%; no homozygotes.

Submission:

GeneDx
Classification: Uncertain significance. Last evaluated: 2023-01-18. Review status: criteria provided, single submitter. Criteria: GeneDx Variant Classification Process June 2021. Collection method: clinical testing. Allele origin: germline. Affected: yes.
Comment: In silico analysis supports that this missense variant has a deleterious effect on protein structure/function; Has not been previously published as pathogenic or benign to our knowledge

NM_001378609.3(OTOGL):c.2401C>T (p.Arg801Cys)

Gene: OTOGL (otogelin like; plus strand). Cytogenetic location: 12q21.31.
Variant type: single nucleotide variant.
Coding change: c.2401C>T on transcript NM_001378609.3 (MANE Select); coding-DNA position 2401, C replaced by T.
Protein change: p.Arg801Cys; replaces arginine 801 with cysteine.
Molecular consequence: missense variant.
Genome position (GRCh38, 1-based): chr12:80,267,263, C>T. VCF-style: chr12-80267263-C-T. GRCh37 (hg19) VCF-style: chr12-80661043-C-T.
Other names: c.2401C>T, p.Arg801Cys (NM_001368062.3, NM_001378610.3, NM_173591.7); short protein forms R801C.
Identifiers: ClinVar variation 2136147 (VCV002136147.1), dbSNP rs748851668, ClinGen allele CA6700777.